The following is an entry in ClinVar:

NM_000448.3(RAG1):c.740G>T (p.Arg247Leu)

Gene: RAG1 (recombination activating 1; plus strand). Cytogenetic location: 11p12.
Variant type: single nucleotide variant.
Coding change: c.740G>T on transcript NM_000448.3 (MANE Select); coding-DNA position 740, G replaced by T.
Protein change: p.Arg247Leu; replaces arginine 247 with leucine.
Molecular consequence: missense variant.
Genome position (GRCh38, 1-based): chr11:36,574,044, G>T. VCF-style: chr11-36574044-G-T. GRCh37 (hg19) VCF-style: chr11-36595594-G-T.
Other names: c.740G>T, p.Arg247Leu (NM_001377277.1, NM_001377278.1, NM_001377279.1 and 1 more transcripts); short protein forms R247L.
Identifiers: ClinVar variation 1347406 (VCV001347406.7), dbSNP rs4151029, ClinGen allele CA220600467.

ClinVar aggregate classification (germline): Uncertain significance (1 of 4 stars; one submission).

Conditions:
Combined immunodeficiency with skin granulomas. Identifiers: Orphanet 157949, MedGen C2673536, MONDO:0009306, OMIM 233650.
Severe combined immunodeficiency, autosomal recessive, T cell-negative, B cell-negative, NK cell-positive. Also called: SCID, T CELL-NEGATIVE, B CELL-NEGATIVE, NK CELL-POSITIVE; SCID, AR, T-cell negative, B-cell negative, NK cell-positive; Severe combined immunodeficiency due to complete RAG1/2 deficiency. Identifiers: Orphanet 331206, MedGen C1832322, MONDO:0011086, OMIM 601457.

gnomAD v4.1: 8 of 1,614,138 alleles (0.0005%); highest among the groups gnomAD compares: African/African-American, 0.0013%; no homozygotes.

Submission:

Labcorp Genetics (formerly Invitae), Labcorp
Classification: Uncertain significance for Combined immunodeficiency with skin granulomas; Severe combined immunodeficiency, autosomal recessive, T cell-negative, B cell-negative, NK cell-positive. Last evaluated: 2025-02-17. Review status: criteria provided, single submitter. Criteria: Invitae Variant Classification Sherloc (09022015). Collection method: clinical testing. Allele origin: germline.
Comment: This sequence change replaces arginine, which is basic and polar, with leucine, which is neutral and non-polar, at codon 247 of the RAG1 protein (p.Arg247Leu). This variant is not present in population databases (gnomAD no frequency). This variant has not been reported in the literature in individuals affected with RAG1-related conditions. ClinVar contains an entry for this variant (Variation ID: 1347406). Invitae Evidence Modeling of protein sequence and biophysical properties (such as structural, functional, and spatial information, amino acid conservation, physicochemical variation, residue mobility, and thermodynamic stability) indicates that this missense variant is not expected to disrupt RAG1 protein function with a negative predictive value of 80%. In summary, the available evidence is currently insufficient to determine the role of this variant in disease. Therefore, it has been classified as a Variant of Uncertain Significance.